The following is an entry in ClinVar:

ClinVar aggregate classification (germline): Uncertain significance (1 of 4 stars; one submission).

Conditions:
Cohen syndrome (COH1). Also called: Cutis verticis gyrata, retinitis pigmentosa, and sensorineural deafness; PEPPER SYNDROME. Identifiers: Orphanet 193, MedGen C0265223, MONDO:0008999, OMIM 216550.

gnomAD v4.1: 3 of 1,609,250 alleles (0.00019%); highest among the groups gnomAD compares: Non-Finnish European, 0.00025%; no homozygotes.

Submission:

Labcorp Genetics (formerly Invitae), Labcorp
Classification: Uncertain significance for Cohen syndrome. Last evaluated: 2024-08-11. Review status: criteria provided, single submitter. Criteria: Invitae Variant Classification Sherloc (09022015). Collection method: clinical testing. Allele origin: germline.
Comment: This sequence change replaces serine, which is neutral and polar, with phenylalanine, which is neutral and non-polar, at codon 1219 of the VPS13B protein (p.Ser1219Phe). This variant is not present in population databases (gnomAD no frequency). This variant has not been reported in the literature in individuals affected with VPS13B-related conditions. Advanced modeling of protein sequence and biophysical properties (such as structural, functional, and spatial information, amino acid conservation, physicochemical variation, residue mobility, and thermodynamic stability) performed at Invitae indicates that this missense variant is expected to disrupt VPS13B protein function with a positive predictive value of 80%. In summary, the available evidence is currently insufficient to determine the role of this variant in disease. Therefore, it has been classified as a Variant of Uncertain Significance.

NM_152564.5(VPS13B):c.3656C>T (p.Ser1219Phe)

Gene: VPS13B (vacuolar protein sorting 13 homolog B; plus strand). Cytogenetic location: 8q22.2.
Variant type: single nucleotide variant.
Coding change: c.3656C>T on transcript NM_152564.5 (MANE Select); coding-DNA position 3656, C replaced by T.
Protein change: p.Ser1219Phe; replaces serine 1219 with phenylalanine.
Molecular consequence: missense variant.
Genome position (GRCh38, 1-based): chr8:99,467,624, C>T. VCF-style: chr8-99467624-C-T. GRCh37 (hg19) VCF-style: chr8-100479852-C-T.
Other names: c.3656C>T, p.Ser1219Phe (NM_017890.5); short protein forms S1219F.
Identifiers: ClinVar variation 3620848 (VCV003620848.2).
Genomic context (GRCh38, chr8:99,467,624, plus strand): 5'-CACGACATTCATTTGTTGTCTGTCTCCATGTTGACCTAGAGTCACTAGAGATAAAATGCT[C>T]TAATCCCCAGGTTGGTACATTTGATTTATGAAAGGAAATTTAAAGTAATGTGATTTAAAA-3'
Protein context (NP_689777.3, residues 1209-1229): VDLESLEIKC[Ser1219Phe]NPQVQLFYEL